The following is an entry in ClinVar:

ClinVar aggregate classification (germline): Uncertain significance (1 of 4 stars; one submission).

Conditions:
Dystonia 12 (DYT12). Also called: DYT-ATP1A3; Rapid-Onset Dystonia-Parkinsonism (RDP). Identifiers: Orphanet 71517, MedGen C1868681, MONDO:0007496, OMIM 128235.

Submission:

Labcorp Genetics (formerly Invitae), Labcorp
Classification: Uncertain significance for Dystonia 12. Last evaluated: 2020-01-21. Review status: criteria provided, single submitter. Criteria: Invitae Variant Classification Sherloc (09022015). Collection method: clinical testing. Allele origin: germline.
Comment: This variant results in a copy number gain of the genomic region encompassing exons 12-23 of the ATP1A3 gene. The 5' boundary is likely confined to intron 11. The 3' end of this event is unknown as it extends beyond the assayed region for this gene and therefore may encompass additional genes. As the precise location of this event is unknown, it may be in tandem or it may be located elsewhere in the genome. This variant has not been reported in the literature in individuals with ATP1A3-related conditions. In summary, the available evidence is currently insufficient to determine the role of this variant in disease. Therefore, it has been classified as a Variant of Uncertain Significance.

NC_000019.10:g.(?_41966917)_(41978818_?)dup

Gene: ATP1A3 (ATPase Na+/K+ transporting subunit alpha 3; minus strand). Cytogenetic location: 19q13.2.
Variant type: Duplication.
Identifiers: ClinVar variation 831836 (VCV000831836.4).